The following is an entry in ClinVar:

NM_000326.5(RLBP1):c.1A>T (p.Met1Leu)

Gene: RLBP1 (retinaldehyde binding protein 1; minus strand). Cytogenetic location: 15q26.1.
Variant type: single nucleotide variant.
Coding change: c.1A>T on transcript NM_000326.5 (MANE Select); coding-DNA position 1, A replaced by T.
Protein change: p.Met1Leu; changes the start codon (methionine 1).
Molecular consequence: missense variant, initiator codon variant.
Genome position (GRCh38, 1-based): chr15:89,218,975, T>A on the plus strand (A>T on the coding strand, the complement: RLBP1 is on the minus strand). VCF-style: chr15-89218975-T-A. GRCh37 (hg19) VCF-style: chr15-89762206-T-A.
Other names: short protein forms M1L.
Identifiers: ClinVar variation 1345386 (VCV001345386.7), dbSNP rs2051605586, ClinGen allele CA393731961.

ClinVar aggregate classification (germline): Pathogenic/Likely pathogenic. Review status: criteria provided, multiple submitters, no conflicts (2 of 4 stars). 2 submissions from 2 submitters: Pathogenic (1); Likely pathogenic (1). Last evaluated 2024-10-07.

Conditions:
RLBP1-related disorder. Also called: RLBP1-related disorders; RLBP1-related condition. Identifiers: MedGen CN239413.

Allele frequency attached by ClinVar (database versions not stated): gnomAD exomes below 0.00001; TOPMed below 0.00001.

Submissions (2):

Blueprint Genetics
Classification: Likely pathogenic for RLBP1-related disorders. Last evaluated: 2024-10-07. Review status: criteria provided, single submitter. Criteria: ACMG Guidelines, 2015. Collection method: clinical testing. Allele origin: germline. Affected: yes. Observed: 1 variant allele.

Labcorp Genetics (formerly Invitae), Labcorp
Classification: Pathogenic. Last evaluated: 2023-02-05. Review status: criteria provided, single submitter. Criteria: Invitae Variant Classification Sherloc (09022015). Collection method: clinical testing. Allele origin: germline.
Comment: This variant has not been reported in the literature in individuals affected with RLBP1-related conditions. This sequence change affects the initiator methionine of the RLBP1 mRNA. The next in-frame methionine is located at codon 10. This variant is not present in population databases (gnomAD no frequency). ClinVar contains an entry for this variant (Variation ID: 1345386). This variant disrupts a region of the RLBP1 protein in which other variant(s) (p.Arg9Cys) have been determined to be pathogenic (PMID: 23929416, 28559085, 32188692). This suggests that this is a clinically significant region of the protein, and that variants that disrupt it are likely to be disease-causing. For these reasons, this variant has been classified as Pathogenic.

Literature cited by the submitters: PubMed 23929416 (cited by Labcorp Genetics (formerly Invitae), Labcorp); PubMed 28559085 (cited by Labcorp Genetics (formerly Invitae), Labcorp); PubMed 32188692 (cited by Labcorp Genetics (formerly Invitae), Labcorp).